The following is an entry in ClinVar:

ClinVar aggregate classification (germline): Likely benign (1 of 4 stars; one submission).

Allele frequency attached by ClinVar (database versions not stated): gnomAD 0.00001; gnomAD exomes 0.00001; TOPMed 0.00001.
gnomAD v4.1: 15 of 1,205,407 alleles (0.0012%); highest among the groups gnomAD compares: Non-Finnish European, 0.0017%; no homozygotes.

Submission:

CeGaT Center for Human Genetics Tuebingen
Classification: Likely benign. Last evaluated: 2022-12-01. Review status: criteria provided, single submitter. Criteria: CeGaT Center For Human Genetics Tuebingen Variant Classification Criteria Version 2. Collection method: clinical testing. Allele origin: germline. Affected: yes. Observed: 1 variant allele.
Comment: SMC1A: BP4, BP7

NM_006306.4(SMC1A):c.2422T>C (p.Leu808=)

Gene: SMC1A (structural maintenance of chromosomes 1A; minus strand). Cytogenetic location: Xp11.22.
Variant type: single nucleotide variant.
Coding change: c.2422T>C on transcript NM_006306.4 (MANE Select); coding-DNA position 2422, T replaced by C.
Protein change: p.Leu808=; no amino-acid change (leucine 808 retained).
Molecular consequence: synonymous variant.
Genome position (GRCh38, 1-based): chrX:53,399,729, A>G on the plus strand (T>C on the coding strand, the complement: SMC1A is on the minus strand). VCF-style: chrX-53399729-A-G. GRCh37 (hg19) VCF-style: chrX-53426651-A-G.
Other names: c.2356T>C, p.Leu786= (NM_001281463.1).
Identifiers: ClinVar variation 2660607 (VCV002660607.24), dbSNP rs1556888590, ClinGen allele CA516559261.
Genomic context (GRCh38, chrX:53,399,729, plus strand): 5'-GTTGGTTCTTTTCAAAATCCAACTGAATGCCCAAGCGAGTCTTCTGATTCTCAAACTCCA[A>G]ACTGTGTATAAAGGTGGGGGGAGAATCACTCATAATCTCATCAGCCAGAGATAACCAATG-3'
Protein context (NP_006297.2, residues 798-818): KRQNEIAKKR[Leu808=]EFENQKTRLG